The following is an entry in ClinVar:

ClinVar aggregate classification (germline): Uncertain significance. Review status: criteria provided, multiple submitters, no conflicts (2 of 4 stars). 2 submissions from 2 submitters: Uncertain significance (2). Last evaluated 2025-09-15.

Conditions:
Inborn genetic diseases. Identifiers: MedGen C0950123, MeSH D030342.

Allele frequency attached by ClinVar (database versions not stated): gnomAD 0.00001; TOPMed 0.00003.
gnomAD v4.1: 5 of 1,614,038 alleles (0.00031%); highest among the groups gnomAD compares: Non-Finnish European, 0.000085%; no homozygotes.

Submissions (2):

Labcorp Genetics (formerly Invitae), Labcorp
Classification: Uncertain significance. Last evaluated: 2025-09-15. Review status: criteria provided, single submitter. Criteria: Invitae Variant Classification Sherloc (09022015). Collection method: clinical testing. Allele origin: germline.
Comment: This sequence change replaces lysine, which is basic and polar, with glutamine, which is neutral and polar, at codon 504 of the FLNB protein (p.Lys504Gln). This variant is not present in population databases (gnomAD no frequency). This variant has not been reported in the literature in individuals affected with FLNB-related conditions. ClinVar contains an entry for this variant (Variation ID: 1378697). Invitae Evidence Modeling of protein sequence and biophysical properties (such as structural, functional, and spatial information, amino acid conservation, physicochemical variation, residue mobility, and thermodynamic stability) indicates that this missense variant is not expected to disrupt FLNB protein function with a negative predictive value of 95%. In summary, the available evidence is currently insufficient to determine the role of this variant in disease. Therefore, it has been classified as a Variant of Uncertain Significance.

Ambry Genetics
Classification: Uncertain significance for Inborn genetic diseases. Last evaluated: 2025-08-06. Review status: criteria provided, single submitter. Criteria: Ambry Variant Classification Scheme 2023. Collection method: clinical testing. Allele origin: germline.

NM_001457.4(FLNB):c.1510A>C (p.Lys504Gln)

Gene: FLNB (filamin B; plus strand). Cytogenetic location: 3p14.3.
Variant type: single nucleotide variant.
Coding change: c.1510A>C on transcript NM_001457.4 (MANE Select); coding-DNA position 1510, A replaced by C.
Protein change: p.Lys504Gln; replaces lysine 504 with glutamine.
Molecular consequence: missense variant.
Genome position (GRCh38, 1-based): chr3:58,103,985, A>C. VCF-style: chr3-58103985-A-C. GRCh37 (hg19) VCF-style: chr3-58089712-A-C.
Other names: c.1510A>C (NM_001457.3); c.1510A>C, p.Lys504Gln (NM_001164317.2, NM_001164318.2, NM_001164319.2); short protein forms K504Q.
Identifiers: ClinVar variation 1378697 (VCV001378697.7), dbSNP rs2097255161, ClinGen allele CA353338194.